The following is an entry in ClinVar:

ClinVar aggregate classification (germline): Uncertain significance (1 of 4 stars; one submission).

Conditions:
DICER1-related tumor predisposition. Also called: DICER1-related pleuropulmonary blastoma cancer predisposition syndrome; DICER1 syndrome. Identifiers: Orphanet 284343, MedGen C3839822, MONDO:0100216.

Allele frequency attached by ClinVar (database versions not stated): gnomAD exomes below 0.00001.
gnomAD v4.1: 1 of 1,614,196 alleles (0.000062%); no homozygotes.

Submission:

Labcorp Genetics (formerly Invitae), Labcorp
Classification: Uncertain significance for DICER1-related tumor predisposition. Last evaluated: 2023-05-21. Review status: criteria provided, single submitter. Criteria: Invitae Variant Classification Sherloc (09022015). Collection method: clinical testing. Allele origin: germline.
Comment: This sequence change replaces glutamic acid, which is acidic and polar, with lysine, which is basic and polar, at codon 733 of the DICER1 protein (p.Glu733Lys). This variant is not present in population databases (gnomAD no frequency). This variant has not been reported in the literature in individuals affected with DICER1-related conditions. Advanced modeling of protein sequence and biophysical properties (such as structural, functional, and spatial information, amino acid conservation, physicochemical variation, residue mobility, and thermodynamic stability) performed at Invitae indicates that this missense variant is not expected to disrupt DICER1 protein function. In summary, the available evidence is currently insufficient to determine the role of this variant in disease. Therefore, it has been classified as a Variant of Uncertain Significance.

NM_177438.3(DICER1):c.2197G>A (p.Glu733Lys)

Gene: DICER1 (dicer 1, ribonuclease III; minus strand). Cytogenetic location: 14q32.13.
Variant type: single nucleotide variant.
Coding change: c.2197G>A on transcript NM_177438.3 (MANE Select); coding-DNA position 2197, G replaced by A.
Protein change: p.Glu733Lys; replaces glutamic acid 733 with lysine.
Molecular consequence: missense variant. On other transcripts: non-coding transcript variant (6).
Genome position (GRCh38, 1-based): chr14:95,111,376, C>T on the plus strand (G>A on the coding strand, the complement: DICER1 is on the minus strand). VCF-style: chr14-95111376-C-T. GRCh37 (hg19) VCF-style: chr14-95577713-C-T.
Other names: c.2197G>A, p.Glu733Lys (NM_001195573.1, NM_001271282.3, NM_001291628.2 and 13 more transcripts); c.1915G>A, p.Glu639Lys (NM_001395686.1); c.1792G>A, p.Glu598Lys (NM_001395687.1, NM_001395688.1, NM_001395689.1 and 3 more transcripts); c.1630G>A, p.Glu544Lys (NM_001395691.1); c.514G>A, p.Glu172Lys (NM_001395697.1); short protein forms E544K, E733K, E598K, E639K, E172K.
Identifiers: ClinVar variation 2866554 (VCV002866554.3), dbSNP rs2140067638, ClinGen allele CA390882639.